The following is an entry in ClinVar:

ClinVar aggregate classification (germline): Uncertain significance (1 of 4 stars; one submission).

Conditions:
Congenital muscular hypertrophy-cerebral syndrome (CDLS2). Also called: SMC1A-Related Cornelia de Lange Syndrome; Cornelia de Lange syndrome 2. Identifiers: Orphanet 199, MedGen C1802395, MONDO:0010370, OMIM 300590.

gnomAD v4.1: 4 of 1,209,666 alleles (0.00033%); highest among the groups gnomAD compares: Non-Finnish European, 0.00045%; no homozygotes.

Submission:

Labcorp Genetics (formerly Invitae), Labcorp
Classification: Uncertain significance for Congenital muscular hypertrophy-cerebral syndrome. Last evaluated: 2025-11-14. Review status: criteria provided, single submitter. Criteria: Invitae Variant Classification Sherloc (09022015). Collection method: clinical testing. Allele origin: germline.
Comment: This sequence change replaces arginine, which is basic and polar, with histidine, which is basic and polar, at codon 491 of the SMC1A protein (p.Arg491His). This variant is present in population databases (no rsID available, gnomAD 0.01%), including at least one homozygous and/or hemizygous individual. This variant has not been reported in the literature in individuals affected with SMC1A-related conditions. Invitae Evidence Modeling of protein sequence and biophysical properties (such as structural, functional, and spatial information, amino acid conservation, physicochemical variation, residue mobility, and thermodynamic stability) indicates that this missense variant is not expected to disrupt SMC1A protein function with a negative predictive value of 80%. In summary, the available evidence is currently insufficient to determine the role of this variant in disease. Therefore, it has been classified as a Variant of Uncertain Significance.

NM_006306.4(SMC1A):c.1472G>A (p.Arg491His)

Gene: SMC1A (structural maintenance of chromosomes 1A; minus strand). Cytogenetic location: Xp11.22.
Variant type: single nucleotide variant.
Coding change: c.1472G>A on transcript NM_006306.4 (MANE Select); coding-DNA position 1472, G replaced by A.
Protein change: p.Arg491His; replaces arginine 491 with histidine.
Molecular consequence: missense variant.
Genome position (GRCh38, 1-based): chrX:53,409,135, C>T on the plus strand (G>A on the coding strand, the complement: SMC1A is on the minus strand). VCF-style: chrX-53409135-C-T. GRCh37 (hg19) VCF-style: chrX-53436066-C-T.
Other names: c.1406G>A, p.Arg469His (NM_001281463.1); short protein forms R469H, R491H.
Identifiers: ClinVar variation 4773161 (VCV004773161.1).